The following is an entry in ClinVar:

NM_004621.6(TRPC6):c.*218C>T

Gene: TRPC6 (transient receptor potential cation channel subfamily C member 6; minus strand). Cytogenetic location: 11q22.1.
Variant type: single nucleotide variant.
Coding change: c.*218C>T on transcript NM_004621.6 (MANE Select); 218 bases downstream of the stop codon, C replaced by T.
Molecular consequence: 3 prime UTR variant.
Genome position (GRCh38, 1-based): chr11:101,452,737, G>A on the plus strand (C>T on the coding strand, the complement: TRPC6 is on the minus strand). VCF-style: chr11-101452737-G-A. GRCh37 (hg19) VCF-style: chr11-101323468-G-A.
Identifiers: ClinVar variation 879014 (VCV000879014.4), dbSNP rs190606820, ClinGen allele CA228235888.

ClinVar aggregate classification (germline): Benign (1 of 4 stars; one submission).

Conditions:
Focal segmental glomerulosclerosis 2 (FSGS2). Identifiers: Orphanet 656, MedGen C1858915, MONDO:0011390, OMIM 603965.

Allele frequency attached by ClinVar (database versions not stated): gnomAD 0.00103; TOPMed 0.00107; gnomAD exomes 0.00126; 1000 Genomes Project 30x 0.00031; 1000 Genomes Project 0.00040.
gnomAD v4.1: 660 of 555,742 alleles (0.12%); highest among the groups gnomAD compares: Non-Finnish European, 0.18%; no homozygotes.

Submission:

Illumina Laboratory Services, Illumina
Classification: Benign for Focal segmental glomerulosclerosis 2. Last evaluated: 2018-01-12. Review status: criteria provided, single submitter. Criteria: ICSL Variant Classification Criteria 13 December 2019. Collection method: clinical testing. Allele origin: germline.
Comment: This variant was observed in the ICSL laboratory as part of a predisposition screen in an ostensibly healthy population. It had not been previously curated by ICSL or reported in the Human Gene Mutation Database (HGMD: prior to June 1st, 2018), and was therefore a candidate for classification through an automated scoring system. Utilizing variant allele frequency, disease prevalence and penetrance estimates, and inheritance mode, an automated score was calculated to assess if this variant is too frequent to cause the disease. Based on the score and internal cut-off values, a variant classified as benign is not then subjected to further curation. The score for this variant resulted in a classification of benign for this disease.